The following is an entry in ClinVar:

NM_032119.4(ADGRV1):c.2304A>G (p.Glu768=)

Gene: ADGRV1 (adhesion G protein-coupled receptor V1; plus strand). Cytogenetic location: 5q14.3.
Variant type: single nucleotide variant.
Coding change: c.2304A>G on transcript NM_032119.4 (MANE Select); coding-DNA position 2304, A replaced by G.
Protein change: p.Glu768=; no amino-acid change (glutamic acid 768 retained).
Molecular consequence: synonymous variant. On other transcripts: non-coding transcript variant (1).
Genome position (GRCh38, 1-based): chr5:90,642,699, A>G. VCF-style: chr5-90642699-A-G. GRCh37 (hg19) VCF-style: chr5-89938516-A-G.
Other names: c.2304A>G (NM_032119.3).
Identifiers: ClinVar variation 1095876 (VCV001095876.10), dbSNP rs368278365, ClinGen allele CA3338883.

ClinVar aggregate classification (germline): Likely benign. Review status: criteria provided, multiple submitters, no conflicts (2 of 4 stars). 2 submissions from 2 submitters: Likely benign (2). Last evaluated 2025-02-24.

Conditions:
ADGRV1-related disorder. Also called: ADGRV1-related condition; ADGRV1-related disorders.

Allele frequency attached by ClinVar (database versions not stated): gnomAD exomes 0.00001 and 0.00004; TOPMed 0.00001; ExAC 0.00007; ESP Exome Variant Server 0.00009.
gnomAD v4.1: 13 of 1,613,642 alleles (0.00081%); highest among the groups gnomAD compares: Non-Finnish European, 0.0011%; no homozygotes.

Submissions (2):

PreventionGenetics, part of Exact Sciences
Classification: Likely benign for ADGRV1-related condition. Last evaluated: 2025-02-24. Review status: criteria provided, single submitter. Criteria: ACMG Guidelines, 2015. Collection method: clinical testing. Allele origin: germline.
Comment: This variant is classified as likely benign based on ACMG/AMP sequence variant interpretation guidelines (Richards et al. 2015 PMID: 25741868, with internal and published modifications).

Labcorp Genetics (formerly Invitae), Labcorp
Classification: Likely benign. Last evaluated: 2023-07-29. Review status: criteria provided, single submitter. Criteria: Invitae Variant Classification Sherloc (09022015). Collection method: clinical testing. Allele origin: germline.